The following is an entry in ClinVar:

NM_004115.4(FGF14):c.350A>G (p.Gln117Arg)

Gene: FGF14 (fibroblast growth factor 14; minus strand). Cytogenetic location: 13q33.1.
Variant type: single nucleotide variant.
Coding change: c.350A>G on transcript NM_004115.4 (MANE Select); coding-DNA position 350, A replaced by G.
Protein change: p.Gln117Arg; replaces glutamine 117 with arginine.
Molecular consequence: missense variant.
Genome position (GRCh38, 1-based): chr13:101,868,783, T>C on the plus strand (A>G on the coding strand, the complement: FGF14 is on the minus strand). VCF-style: chr13-101868783-T-C. GRCh37 (hg19) VCF-style: chr13-102521133-T-C.
Other names: p.Gln117Arg; c.98A>G, p.Gln33Arg (NM_001321931.1, NM_001321934.1, NM_001321935.1 and 4 more transcripts); c.161A>G, p.Gln54Arg (NM_001321932.1, NM_001321936.1, NM_001321944.1); c.170A>G, p.Gln57Arg (NM_001321933.1, NM_001321938.2, NM_001321940.1); c.365A>G, p.Gln122Arg (NM_001321937.2, NM_175929.3); c.254A>G, p.Gln85Arg (NM_001321939.2); c.164A>G, p.Gln55Arg (NM_001321941.2); c.248A>G, p.Gln83Arg (NM_001321945.2, NM_001321948.2, NM_001379342.1); and 1 more; short protein forms Q117R, Q122R, Q33R, Q54R, Q55R, Q57R, Q70R, Q83R.
Identifiers: ClinVar variation 3360972 (VCV003360972.3).
Genomic context (GRCh38, chr13:101,868,783, plus strand): 5'-ACTGATGGGTAGAGGTAACCTTCTCCATTCATGGCTATATACAACCCTGTTTTCACTCCC[T>C]GGATGGCAACAACACGTAGTCCCACTGGTATGAGGTTGAAGAGTGCTGTGAAGATAAACA-3'
Protein context (NP_004106.1, residues 107-127): IPVGLRVVAI[Gln117Arg]GVKTGLYIAM

ClinVar aggregate classification (germline): Uncertain significance. Review status: criteria provided, multiple submitters, no conflicts (2 of 4 stars). 3 submissions from 3 submitters: Uncertain significance (3). Last evaluated 2026-03-11.

Conditions:
Inborn genetic diseases. Identifiers: MedGen C0950123, MeSH D030342.

gnomAD v4.1: 3 of 1,613,826 alleles (0.00019%); highest among the groups gnomAD compares: Non-Finnish European, 0.00017%; no homozygotes.

Submissions (3):

Ambry Genetics
Classification: Uncertain significance for Inborn genetic diseases. Last evaluated: 2026-03-11. Review status: criteria provided, single submitter. Criteria: Ambry Variant Classification Scheme 2023. Collection method: clinical testing. Allele origin: germline.

Mayo Clinic Laboratories, Mayo Clinic
Classification: Uncertain significance. Last evaluated: 2024-07-31. Review status: criteria provided, single submitter. Criteria: ACMG Guidelines, 2015. Collection method: clinical testing. Allele origin: germline. Observed: 1 variant allele.
Comment: PM2

GeneDx
Classification: Uncertain significance. Last evaluated: 2023-07-10. Review status: criteria provided, single submitter. Criteria: GeneDx Variant Classification Process June 2021. Collection method: clinical testing. Allele origin: germline. Affected: yes.
Comment: Not observed at significant frequency in large population cohorts (gnomAD); In silico analysis supports that this missense variant does not alter protein structure/function; Has not been previously published as pathogenic or benign to our knowledge; This variant is associated with the following publications: (PMID: 28444220)